The following is an entry in ClinVar:

NM_001134363.3(RBM20):c.620C>T (p.Pro207Leu)

Gene: RBM20 (RNA binding motif protein 20; plus strand). Cytogenetic location: 10q25.2.
Variant type: single nucleotide variant.
Coding change: c.620C>T on transcript NM_001134363.3 (MANE Select); coding-DNA position 620, C replaced by T.
Protein change: p.Pro207Leu; replaces proline 207 with leucine.
Molecular consequence: missense variant.
Genome position (GRCh38, 1-based): chr10:110,781,229, C>T. VCF-style: chr10-110781229-C-T. GRCh37 (hg19) VCF-style: chr10-112540987-C-T.
Other names: short protein forms P207L.
Identifiers: ClinVar variation 1311239 (VCV001311239.3), dbSNP rs1185360800, ClinGen allele CA378381665.
Genomic context (GRCh38, chr10:110,781,229, plus strand): 5'-CCAACCAGCCACCCAGTGCCATGGTGATGCATCCTTTCACTGGGGTAATGCCTCAGACCC[C>T]TGGCCAGCCAGCAGTCATCTTGGGCATTGGCAAGACTGGGCCTGCTCCAGCTACAGCAGG-3'
Protein context (NP_001127835.2, residues 197-217): HPFTGVMPQT[Pro207Leu]GQPAVILGIG

ClinVar aggregate classification (germline): Uncertain significance. Review status: criteria provided, multiple submitters, no conflicts (2 of 4 stars). 2 submissions from 2 submitters: Uncertain significance (2). Last evaluated 2025-11-24.

Conditions:
Cardiovascular phenotype. Identifiers: MedGen CN230736.

Allele frequency attached by ClinVar (database versions not stated): TOPMed below 0.00001; gnomAD exomes below 0.00001 and 0.00001; gnomAD 0.00001.
gnomAD v4.1: 3 of 1,551,604 alleles (0.00019%); no homozygotes.

Submissions (2):

Ambry Genetics
Classification: Uncertain significance for Cardiovascular phenotype. Last evaluated: 2025-11-24. Review status: criteria provided, single submitter. Criteria: Ambry Variant Classification Scheme 2023. Collection method: clinical testing. Allele origin: germline.
Comment: The p.P207L variant (also known as c.620C>T), located in coding exon 2 of the RBM20 gene, results from a C to T substitution at nucleotide position 620. The proline at codon 207 is replaced by leucine, an amino acid with similar properties. This amino acid position is conserved. In addition, this alteration is predicted to be tolerated by in silico analysis. Based on the available evidence, the clinical significance of this variant remains unclear.

GeneDx
Classification: Uncertain significance. Last evaluated: 2019-12-17. Review status: criteria provided, single submitter. Criteria: GeneDx Variant Classification Process June 2021. Collection method: clinical testing. Allele origin: germline. Affected: yes.
Comment: Has not been previously published as pathogenic or benign to our knowledge; Not observed at a significant frequency in large population cohorts (Lek et al., 2016); In silico analysis, which includes protein predictors and evolutionary conservation, supports that this variant does not alter protein structure/function